The following is an entry in ClinVar:

ClinVar aggregate classification (germline): Uncertain significance. Review status: criteria provided, multiple submitters, no conflicts (2 of 4 stars). 2 submissions from 2 submitters: Uncertain significance (2). Last evaluated 2023-12-10.

Conditions:
DICER1-related tumor predisposition. Also called: DICER1 syndrome; DICER1-related pleuropulmonary blastoma cancer predisposition syndrome. Identifiers: Orphanet 284343, MedGen C3839822, MONDO:0100216.
Hereditary cancer-predisposing syndrome. Also called: Tumor predisposition; Neoplastic Syndromes, Hereditary; Hereditary Cancer Syndrome; Hereditary neoplastic syndrome. Identifiers: Orphanet 140162, MedGen C0027672, MeSH D009386, MONDO:0015356.

Submissions (2):

Labcorp Genetics (formerly Invitae), Labcorp
Classification: Uncertain significance for DICER1-related tumor predisposition. Last evaluated: 2023-12-10. Review status: criteria provided, single submitter. Criteria: Invitae Variant Classification Sherloc (09022015). Collection method: clinical testing. Allele origin: germline.
Comment: This sequence change replaces valine, which is neutral and non-polar, with isoleucine, which is neutral and non-polar, at codon 522 of the DICER1 protein (p.Val522Ile). This variant is not present in population databases (gnomAD no frequency). This variant has not been reported in the literature in individuals affected with DICER1-related conditions. ClinVar contains an entry for this variant (Variation ID: 1056842). Advanced modeling of protein sequence and biophysical properties (such as structural, functional, and spatial information, amino acid conservation, physicochemical variation, residue mobility, and thermodynamic stability) performed at Invitae indicates that this missense variant is not expected to disrupt DICER1 protein function with a negative predictive value of 80%. In summary, the available evidence is currently insufficient to determine the role of this variant in disease. Therefore, it has been classified as a Variant of Uncertain Significance.

Ambry Genetics
Classification: Uncertain significance for Hereditary cancer-predisposing syndrome. Last evaluated: 2022-03-14. Review status: criteria provided, single submitter. Criteria: Ambry Variant Classification Scheme 2023. Collection method: clinical testing. Allele origin: germline.
Comment: The p.V522I variant (also known as c.1564G>A), located in coding exon 9 of the DICER1 gene, results from a G to A substitution at nucleotide position 1564. The valine at codon 522 is replaced by isoleucine, an amino acid with highly similar properties. This amino acid position is conserved. In addition, the in silico prediction for this alteration is inconclusive. Since supporting evidence is limited at this time, the clinical significance of this alteration remains unclear.

NM_177438.3(DICER1):c.1564G>A (p.Val522Ile)

Gene: DICER1 (dicer 1, ribonuclease III; minus strand). Cytogenetic location: 14q32.13.
Variant type: single nucleotide variant.
Coding change: c.1564G>A on transcript NM_177438.3 (MANE Select); coding-DNA position 1564, G replaced by A.
Protein change: p.Val522Ile; replaces valine 522 with isoleucine.
Molecular consequence: missense variant.
Genome position (GRCh38, 1-based): chr14:95,116,641, C>T on the plus strand (G>A on the coding strand, the complement: DICER1 is on the minus strand). VCF-style: chr14-95116641-C-T. GRCh37 (hg19) VCF-style: chr14-95582978-C-T.
Other names: c.1564G>A, p.Val522Ile (NM_001195573.1, NM_001271282.3, NM_001291628.2 and 1 more transcripts); short protein forms V522I.
Identifiers: ClinVar variation 1056842 (VCV001056842.12), dbSNP rs2140125803, ClinGen allele CA390885068.